The following is an entry in ClinVar:

NM_001394062.1(MACF1):c.2767G>A (p.Asp923Asn)

Gene: MACF1 (microtubule actin crosslinking factor 1; plus strand). Cytogenetic location: 1p34.3.
Variant type: single nucleotide variant.
Coding change: c.2767G>A on transcript NM_001394062.1 (MANE Select); coding-DNA position 2767, G replaced by A.
Protein change: p.Asp923Asn; replaces aspartic acid 923 with asparagine.
Molecular consequence: missense variant.
Genome position (GRCh38, 1-based): chr1:39,303,056, G>A. VCF-style: chr1-39303056-G-A. GRCh37 (hg19) VCF-style: chr1-39768728-G-A.
Other names: c.2782G>A, p.Asp928Asn (NM_012090.5); short protein forms D923N, D928N.
Identifiers: ClinVar variation 2446493 (VCV002446493.1), dbSNP rs2521626886, ClinGen allele CA339774909.

ClinVar aggregate classification (germline): Uncertain significance (1 of 4 stars; one submission).

Submission:

GeneDx
Classification: Uncertain significance. Last evaluated: 2022-10-03. Review status: criteria provided, single submitter. Criteria: GeneDx Variant Classification Process June 2021. Collection method: clinical testing. Allele origin: germline. Affected: yes.
Comment: Not observed at significant frequency in large population cohorts (gnomAD); In silico analysis supports that this missense variant has a deleterious effect on protein structure/function; Has not been previously published as pathogenic or benign to our knowledge